The following is an entry in ClinVar:

ClinVar aggregate classification (germline): Likely benign. Review status: criteria provided, multiple submitters, no conflicts (2 of 4 stars). 3 submissions from 3 submitters: Likely benign (3). Last evaluated 2025-02-19.

Allele frequency attached by ClinVar (database versions not stated): TOPMed 0.00007; gnomAD 0.00008; gnomAD exomes 0.00009; ExAC 0.00010; ESP Exome Variant Server 0.00016; 1000 Genomes Project 0.00020; 1000 Genomes Project 30x 0.00031.
gnomAD v4.1: 209 of 1,613,874 alleles (0.013%); highest among the groups gnomAD compares: Non-Finnish European, 0.017%; no homozygotes.

Submissions (3):

Labcorp Genetics (formerly Invitae), Labcorp
Classification: Likely benign. Last evaluated: 2025-02-19. Review status: criteria provided, single submitter. Criteria: Invitae Variant Classification Sherloc (09022015). Collection method: clinical testing. Allele origin: germline.

Blueprint Genetics
Classification: Likely benign. Last evaluated: 2024-10-01. Review status: criteria provided, single submitter. Criteria: ACMG Guidelines, 2015. Collection method: clinical testing. Allele origin: germline.

CeGaT Center for Human Genetics Tuebingen
Classification: Likely benign. Last evaluated: 2024-02-01. Review status: criteria provided, single submitter. Criteria: CeGaT Center For Human Genetics Tuebingen Variant Classification Criteria Version 2. Collection method: clinical testing. Allele origin: germline. Affected: yes. Observed: 1 variant allele.
Comment: CACNA1E: BP4, BP7

NM_001205293.3(CACNA1E):c.6555T>C (p.Pro2185=)

Gene: CACNA1E (calcium voltage-gated channel subunit alpha1 E; plus strand). Cytogenetic location: 1q25.3.
Variant type: single nucleotide variant.
Coding change: c.6555T>C on transcript NM_001205293.3 (MANE Select); coding-DNA position 6555, T replaced by C.
Protein change: p.Pro2185=; no amino-acid change (proline 2185 retained).
Molecular consequence: synonymous variant.
Genome position (GRCh38, 1-based): chr1:181,798,447, T>C. VCF-style: chr1-181798447-T-C. GRCh37 (hg19) VCF-style: chr1-181767583-T-C.
Other names: c.6426T>C, p.Pro2142= (NM_000721.4); c.6369T>C, p.Pro2123= (NM_001205294.2).
Identifiers: ClinVar variation 1629523 (VCV001629523.31), dbSNP rs371803586, ClinGen allele CA1276443.